The following is an entry in ClinVar:

ClinVar aggregate classification (germline): Uncertain significance (1 of 4 stars; one submission).

Allele frequency attached by ClinVar (database versions not stated): gnomAD 0.00001.

Submission:

Labcorp Genetics (formerly Invitae), Labcorp
Classification: Uncertain significance. Last evaluated: 2022-02-08. Review status: criteria provided, single submitter. Criteria: Invitae Variant Classification Sherloc (09022015). Collection method: clinical testing. Allele origin: germline.
Comment: This sequence change replaces glutamic acid, which is acidic and polar, with lysine, which is basic and polar, at codon 164 of the GNPTG protein (p.Glu164Lys). This variant is present in population databases (rs766647003, gnomAD 0.01%). This variant has not been reported in the literature in individuals affected with GNPTG-related conditions. ClinVar contains an entry for this variant (Variation ID: 1051934). Algorithms developed to predict the effect of missense changes on protein structure and function are either unavailable or do not agree on the potential impact of this missense change (SIFT: "Deleterious"; PolyPhen-2: "Possibly Damaging"; Align-GVGD: "Class C15"). In summary, the available evidence is currently insufficient to determine the role of this variant in disease. Therefore, it has been classified as a Variant of Uncertain Significance.

NM_032520.5(GNPTG):c.490G>A (p.Glu164Lys)

Gene: GNPTG (N-acetylglucosamine-1-phosphate transferase subunit gamma; plus strand). Cytogenetic location: 16p13.3.
Variant type: single nucleotide variant.
Coding change: c.490G>A on transcript NM_032520.5 (MANE Select); coding-DNA position 490, G replaced by A.
Protein change: p.Glu164Lys; replaces glutamic acid 164 with lysine.
Molecular consequence: missense variant.
Genome position (GRCh38, 1-based): chr16:1,362,284, G>A. VCF-style: chr16-1362284-G-A. GRCh37 (hg19) VCF-style: chr16-1412285-G-A.
Other names: short protein forms E164K.
Identifiers: ClinVar variation 1051934 (VCV001051934.2), dbSNP rs766647003, ClinGen allele CA7807729.